The following is an entry in ClinVar:

ClinVar aggregate classification (germline): Uncertain significance. Review status: criteria provided, multiple submitters, no conflicts (2 of 4 stars). 3 submissions from 2 submitters: Uncertain significance (3). Last evaluated 2022-03-09.

Conditions:
Cardiovascular phenotype. Identifiers: MedGen CN230736.
Brittle cornea syndrome 1 (BCS1). Also called: FRAGILITAS OCULI WITH JOINT HYPEREXTENSIBILITY; DYSGENESIS MESODERMALIS CORNEAE ET SCLERAE; CORNEAL FRAGILITY, KERATOGLOBUS, BLUE SCLERAE, JOINT HYPEREXTENSIBILITY; EDS6B; Corneal fragility keratoglobus, blue sclerae AND joint hypermobility. Identifiers: Orphanet 90354, MedGen C0268344, MONDO:0024543, OMIM 229200.
Spontaneous hematomas. Identifiers: MedGen C1697453, HP:0007420.
Joint hypermobility. Also called: Joint hyperflexibility. Identifiers: MedGen C1862377, HP:0001382.
Gastroesophageal reflux. Identifiers: MedGen C4317146, HP:0002020.
Thoracic scoliosis. Identifiers: MedGen C1857790, HP:0002943.
Soft skin. Identifiers: MedGen C1844592, HP:0000977.
Poor wound healing. Identifiers: MedGen C1851789, HP:0001058.
Striae distensae. Also called: skin striae. Identifiers: MedGen C0152459, HP:0001065.
Myopia. Also called: Myopia (disease). Identifiers: MedGen C0027092, MONDO:0001384, HP:0000545.

Submissions (3):

Ambry Genetics
Classification: Uncertain significance for Cardiovascular phenotype. Last evaluated: 2022-03-09. Review status: criteria provided, single submitter. Criteria: Ambry Variant Classification Scheme 2023. Collection method: clinical testing. Allele origin: germline.
Comment: The p.N857D variant (also known as c.2569A>G), located in coding exon 1 of the ZNF469 gene, results from an A to G substitution at nucleotide position 2569. The asparagine at codon 857 is replaced by aspartic acid, an amino acid with highly similar properties. This amino acid position is conserved. In addition, this alteration is predicted to be tolerated by in silico analysis. Since supporting evidence is limited at this time, the clinical significance of this alteration remains unclear.

Centre for Mendelian Genomics, University Medical Centre Ljubljana
Classification: Uncertain significance for Gastroesophageal reflux; Joint hypermobility; Myopia; Poor wound healing; Soft skin; Spontaneous hematomas; Striae distensae; Thoracic scoliosis. Last evaluated: 2017-01-01. Review status: criteria provided, single submitter. Criteria: ACMG Guidelines, 2015. Collection method: clinical testing. Allele origin: unknown. Affected: yes.

Centre for Mendelian Genomics, University Medical Centre Ljubljana
Classification: Uncertain significance for Brittle cornea syndrome 1. Last evaluated: 2016-01-01. Review status: criteria provided, single submitter. Criteria: ACMG Guidelines, 2015. Collection method: clinical testing. Allele origin: unknown. Affected: yes.
Comment: This variant was classified as: Uncertain significance. The following ACMG criteria were applied in classifying this variant: PM2.

NM_001367624.2(ZNF469):c.2569A>G (p.Asn857Asp)

Gene: ZNF469 (zinc finger protein 469; plus strand). Cytogenetic location: 16q24.2.
Variant type: single nucleotide variant.
Coding change: c.2569A>G on transcript NM_001367624.2 (MANE Select); coding-DNA position 2569, A replaced by G.
Protein change: p.Asn857Asp; replaces asparagine 857 with aspartic acid.
Molecular consequence: missense variant.
Genome position (GRCh38, 1-based): chr16:88,430,039, A>G. VCF-style: chr16-88430039-A-G. GRCh37 (hg19) VCF-style: chr16-88496447-A-G.
Other names: NM_001127464.1:c.2569A>G; short protein forms N857D.
Identifiers: ClinVar variation 523411 (VCV000523411.6), dbSNP rs1555518955, ClinGen allele CA397073354.